The following is an entry in ClinVar:

ClinVar aggregate classification (germline): Benign/Likely benign. Review status: criteria provided, multiple submitters, no conflicts (2 of 4 stars). 5 submissions from 5 submitters: Benign (3); Likely benign (1). 1 of the submissions does not count toward it. Last evaluated 2026-05-01.

Conditions:
NHS-related disorder. Also called: NHS-related condition.
Inborn genetic diseases. Identifiers: MedGen C0950123, MeSH D030342.
Nance-Horan syndrome (NHS). Identifiers: Orphanet 627, MedGen C0796085, MONDO:0010545, OMIM 302350.

Allele frequency attached by ClinVar (database versions not stated): gnomAD 0.00010 and 0.00011; gnomAD exomes 0.00013 and 0.00065; TOPMed 0.00022; 1000 Genomes Project 0.00026; 1000 Genomes Project 30x 0.00042; ExAC 0.00059.
gnomAD v4.1: 147 of 1,209,710 alleles (0.012%); highest among the groups gnomAD compares: Admixed American, 0.32%; no homozygotes.

Submissions (5):

CeGaT Center for Human Genetics Tuebingen
Classification: Benign. Last evaluated: 2026-05-01. Review status: criteria provided, single submitter. Criteria: CeGaT Center For Human Genetics Tuebingen Variant Classification Criteria Version 2. Collection method: clinical testing. Allele origin: germline. Affected: yes. Observed: 2 variant alleles.
Comment: NHS: BS1, BS2

Labcorp Genetics (formerly Invitae), Labcorp
Classification: Benign for Nance-Horan syndrome. Last evaluated: 2026-01-17. Review status: criteria provided, single submitter. Criteria: Invitae Variant Classification Sherloc (09022015). Collection method: clinical testing. Allele origin: germline.

GeneDx
Classification: Benign. Last evaluated: 2020-06-30. Review status: criteria provided, single submitter. Criteria: GeneDx Variant Classification Process June 2021. Collection method: clinical testing. Allele origin: germline. Affected: yes.
Comment: This variant is associated with the following publications: (PMID: 24305999)

Ambry Genetics
Classification: Likely benign for Inborn genetic diseases. Last evaluated: 2017-03-15. Review status: criteria provided, single submitter. Criteria: Ambry Variant Classification Scheme 2023. Collection method: clinical testing. Allele origin: germline.

PreventionGenetics, part of Exact Sciences
Classification: Likely benign for NHS-related condition. Last evaluated: 2021-06-07. Review status: no assertion criteria provided. Collection method: clinical testing. Allele origin: germline. Not counted in ClinVar's aggregate classification.
Comment: This variant is classified as likely benign based on ACMG/AMP sequence variant interpretation guidelines (Richards et al. 2015 PMID: 25741868, with internal and published modifications).

NM_001291867.2(NHS):c.1760T>C (p.Met587Thr)

Gene: NHS (NHS actin remodeling regulator; plus strand). Cytogenetic location: Xp22.13.
Variant type: single nucleotide variant.
Coding change: c.1760T>C on transcript NM_001291867.2 (MANE Select); coding-DNA position 1760, T replaced by C.
Protein change: p.Met587Thr; replaces methionine 587 with threonine.
Molecular consequence: missense variant.
Genome position (GRCh38, 1-based): chrX:17,725,866, T>C. VCF-style: chrX-17725866-T-C. GRCh37 (hg19) VCF-style: chrX-17743986-T-C.
Other names: c.1229T>C, p.Met410Thr (NM_001136024.4); c.1166T>C, p.Met389Thr (NM_001291868.2); c.1697T>C, p.Met566Thr (NM_198270.4); short protein forms M566T, M410T, M587T, M389T.
Identifiers: ClinVar variation 463038 (VCV000463038.62), dbSNP rs187739639, ClinGen allele CA10358656.